The following is an entry in ClinVar:

ClinVar aggregate classification (germline): Conflicting classifications of pathogenicity. Review status: criteria provided, conflicting classifications (1 of 4 stars). 5 submissions from 5 submitters: Uncertain significance (1); Likely benign (4). Last evaluated 2026-05-01.

Conditions:
Glycogen storage disease, type V (GSD5). Also called: McArdle type glycogen storage disease; MYOPHOSPHORYLASE DEFICIENCY; PYGM DEFICIENCY; MCARDLE DISEASE; MUSCLE GLYCOGEN PHOSPHORYLASE DEFICIENCY. Identifiers: Orphanet 368, MedGen C0017924, MONDO:0009293, OMIM 232600.

Allele frequency attached by ClinVar (database versions not stated): gnomAD 0.00006; TOPMed 0.00006; ESP Exome Variant Server 0.00008; 1000 Genomes Project 30x 0.00016; 1000 Genomes Project 0.00020.
gnomAD v4.1: 195 of 1,614,182 alleles (0.012%); highest among the groups gnomAD compares: Middle Eastern, 0.033%; no homozygotes.

Submissions (5):

CeGaT Center for Human Genetics Tuebingen
Classification: Likely benign. Last evaluated: 2026-05-01. Review status: criteria provided, single submitter. Criteria: CeGaT Center For Human Genetics Tuebingen Variant Classification Criteria Version 2. Collection method: clinical testing. Allele origin: germline. Affected: yes. Observed: 2 variant alleles.
Comment: PYGM: BP4, BP7

Labcorp Genetics (formerly Invitae), Labcorp
Classification: Likely benign for Glycogen storage disease, type V. Last evaluated: 2026-01-19. Review status: criteria provided, single submitter. Criteria: Invitae Variant Classification Sherloc (09022015). Collection method: clinical testing. Allele origin: germline.

Blueprint Genetics
Classification: Likely benign. Last evaluated: 2024-07-10. Review status: criteria provided, single submitter. Criteria: ACMG Guidelines, 2015. Collection method: clinical testing. Allele origin: germline.

Illumina Laboratory Services, Illumina
Classification: Uncertain significance for Glycogen storage disease, type V. Last evaluated: 2018-01-13. Review status: criteria provided, single submitter. Criteria: ICSL Variant Classification Criteria 13 December 2019. Collection method: clinical testing. Allele origin: germline.

GeneDx
Classification: Likely benign. Last evaluated: 2016-12-09. Review status: criteria provided, single submitter. Criteria: GeneDx Variant Classification (06012015). Collection method: clinical testing. Allele origin: germline. Affected: yes.
Comment: This variant is considered likely benign or benign based on one or more of the following criteria: it is a conservative change, it occurs at a poorly conserved position in the protein, it is predicted to be benign by multiple in silico algorithms, and/or has population frequency not consistent with disease.

NM_005609.4(PYGM):c.2199C>T (p.Tyr733=)

Gene: PYGM (glycogen phosphorylase, muscle associated; minus strand). Cytogenetic location: 11q13.1.
Variant type: single nucleotide variant.
Coding change: c.2199C>T on transcript NM_005609.4 (MANE Select); coding-DNA position 2199, C replaced by T.
Protein change: p.Tyr733=; no amino-acid change (tyrosine 733 retained).
Molecular consequence: synonymous variant.
Genome position (GRCh38, 1-based): chr11:64,747,337, G>A on the plus strand (C>T on the coding strand, the complement: PYGM is on the minus strand). VCF-style: chr11-64747337-G-A. GRCh37 (hg19) VCF-style: chr11-64514809-G-A.
Other names: c.1935C>T, p.Tyr645= (NM_001164716.1).
Identifiers: ClinVar variation 385358 (VCV000385358.56), dbSNP rs140102591, ClinGen allele CA6079602.